The following is an entry in ClinVar:

ClinVar aggregate classification (germline): Uncertain significance (1 of 4 stars; one submission).

gnomAD v4.1: 6 of 1,613,444 alleles (0.00037%); highest among the groups gnomAD compares: Non-Finnish European, 0.00051%; no homozygotes.

Submission:

Women's Health and Genetics/Laboratory Corporation of America, LabCorp
Classification: Uncertain significance. Last evaluated: 2025-12-09. Review status: criteria provided, single submitter. Criteria: LabCorp Variant Classification Summary - May 2015. Collection method: clinical testing. Allele origin: germline.
Comment: Variant summary: TRPC3 c.2386A>G (p.Ile796Val) results in a conservative amino acid change in the encoded protein sequence. Algorithms developed to predict the effect of missense changes on protein structure and function are either unavailable or do not agree on the potential impact of this missense change. The variant allele was found at a frequency of 4e-06 in 250706 control chromosomes. The available data on variant occurrences in the general population are insufficient to allow any conclusion about variant significance. To our knowledge, no occurrence of c.2386A>G in individuals affected with TRPC3-related conditions and no experimental evidence demonstrating its impact on protein function have been reported. No submitters have cited clinical-significance assessments for this variant to ClinVar. Based on the evidence outlined above, the variant was classified as uncertain significance.

NM_001130698.2(TRPC3):c.2386A>G (p.Ile796Val)

Gene: TRPC3 (transient receptor potential cation channel subfamily C member 3; minus strand). Cytogenetic location: 4q27.
Variant type: single nucleotide variant.
Coding change: c.2386A>G on transcript NM_001130698.2 (MANE Select); coding-DNA position 2386, A replaced by G.
Protein change: p.Ile796Val; replaces isoleucine 796 with valine.
Molecular consequence: missense variant.
Genome position (GRCh38, 1-based): chr4:121,902,929, T>C on the plus strand (A>G on the coding strand, the complement: TRPC3 is on the minus strand). VCF-style: chr4-121902929-T-C. GRCh37 (hg19) VCF-style: chr4-122824084-T-C.
Other names: c.2386A>G, p.Ile796Val (NM_001366479.2); c.2167A>G, p.Ile723Val (NM_003305.2); short protein forms I723V, I796V.
Identifiers: ClinVar variation 4688437 (VCV004688437.1).